The following is an entry in ClinVar:

ClinVar aggregate classification (germline): Uncertain significance (1 of 4 stars; one submission).

Submission:

Women's Health and Genetics/Laboratory Corporation of America, LabCorp
Classification: Uncertain significance. Last evaluated: 2025-10-06. Review status: criteria provided, single submitter. Criteria: LabCorp Variant Classification Summary - May 2015. Collection method: clinical testing. Allele origin: germline.
Comment: Variant summary: FGG c.1111A>G (p.Asn371Asp) results in a conservative amino acid change in the encoded protein sequence. Algorithms developed to predict the effect of missense changes on protein structure and function are either unavailable or do not agree on the potential impact of this missense change. The variant was absent in 251282 control chromosomes (gnomAD). c.1111A>G has been observed in at least one individual affected with Congenital Dysfibrinogenemia (Meyer_2003). These reports do not provide unequivocal conclusions about association of the variant with Congenital Dysfibrinogenemia. At least one publication reports experimental evidence evaluating an impact on protein function and this variant affected the FGG protein function (Terasawa_2010, Kamijo_2021). The following publications have been ascertained in the context of this evaluation (PMID: 12669117, 20860169, 34069309). No submitters have cited clinical-significance assessments for this variant to ClinVar. Based on the evidence outlined above, the variant was classified as VUS-possibly pathogenic.

Literature cited by the submitters: PubMed 34069309; PubMed 12669117; PubMed 20860169.

NM_021870.3(FGG):c.1111A>G (p.Asn371Asp)

Gene: FGG (fibrinogen gamma chain; minus strand). Cytogenetic location: 4q32.1.
Variant type: single nucleotide variant.
Coding change: c.1111A>G on transcript NM_021870.3 (MANE Select); coding-DNA position 1111, A replaced by G.
Protein change: p.Asn371Asp; replaces asparagine 371 with aspartic acid.
Molecular consequence: missense variant.
Genome position (GRCh38, 1-based): chr4:154,606,723, T>C on the plus strand (A>G on the coding strand, the complement: FGG is on the minus strand). VCF-style: chr4-154606723-T-C. GRCh37 (hg19) VCF-style: chr4-155527875-T-C.
Other names: c.1111A>G, p.Asn371Asp (NM_000509.6); short protein forms N371D.
Identifiers: ClinVar variation 4687542 (VCV004687542.1).